The following is an entry in ClinVar:

NM_003384.3(VRK1):c.387dup (p.Ile130fs)

Gene: VRK1 (VRK serine/threonine kinase 1; plus strand). Cytogenetic location: 14q32.2.
Variant type: Duplication.
Coding change: c.387dup on transcript NM_003384.3 (MANE Select); coding-DNA position 387, one base duplicated (G; older notation c.387dupG).
Protein change: p.Ile130fs; shifts the reading frame from isoleucine 130.
Molecular consequence: frameshift variant.
Genome position (GRCh38, 1-based): chr14:96,852,843, G duplicated. VCF-style (leftmost placement, unchanged base first): chr14-96852842-T-TG. GRCh37 (hg19) VCF-style: chr14-97319179-T-TG.
Other names: short protein forms I130fs.
Identifiers: ClinVar variation 1076855 (VCV001076855.8), dbSNP rs2139795550, ClinGen allele CA2499222842.
Genomic context (GRCh38, chr14:96,852,842, plus strand): 5'-GTTTTCTTGCATTGTATTTTGTTCATTGGCTTTTCATATTTGTCTTCAGTTACAGGTTTA[T>TG]GATAATGGATCGCTTTGGGAGTGACCTTCAGAAAATATATGAAGCAAATGCCAAAAGGTT-3'

ClinVar aggregate classification (germline): Pathogenic (1 of 4 stars; one submission).

Conditions:
Pontocerebellar hypoplasia type 1A (PCH1A). Also called: PONTOCEREBELLAR HYPOPLASIA WITH ANTERIOR HORN CELL DISEASE; PONTOCEREBELLAR HYPOPLASIA WITH INFANTILE SPINAL MUSCULAR ATROPHY. Identifiers: Orphanet 2254, Orphanet 88616, MedGen C1843504, MONDO:0011866, OMIM 607596.

Submission:

Labcorp Genetics (formerly Invitae), Labcorp
Classification: Pathogenic for Pontocerebellar hypoplasia type 1A. Last evaluated: 2020-05-03. Review status: criteria provided, single submitter. Criteria: Invitae Variant Classification Sherloc (09022015). Collection method: clinical testing. Allele origin: germline.
Comment: This variant has not been reported in the literature in individuals with VRK1-related conditions. For these reasons, this variant has been classified as Pathogenic. Loss-of-function variants in VRK1 are known to be pathogenic (PMID: 19646678). This variant is not present in population databases (ExAC no frequency). This sequence change creates a premature translational stop signal (p.Ile130Aspfs*8) in the VRK1 gene. It is expected to result in an absent or disrupted protein product.

Literature cited by the submitters: PubMed 19646678.